The following is an entry in ClinVar:

NM_000155.4(GALT):c.118G>T (p.Glu40Ter)

Genes: GALT (galactose-1-phosphate uridylyltransferase; plus strand), LOC130001683 (ATAC-STARR-seq lymphoblastoid active region 28314; plus strand). Cytogenetic location: 9p13.3.
Variant type: single nucleotide variant.
Coding change: c.118G>T on transcript NM_000155.4 (MANE Select); coding-DNA position 118, G replaced by T.
Protein change: p.Glu40Ter; replaces glutamic acid 40 with a stop codon.
Molecular consequence: nonsense. On other transcripts: 5 prime UTR variant (1).
Genome position (GRCh38, 1-based): chr9:34,647,124, G>T. VCF-style: chr9-34647124-G-T. GRCh37 (hg19) VCF-style: chr9-34647121-G-T.
Other names: c.-85G>T (NM_001258332.2); short protein forms E40*.
Identifiers: ClinVar variation 4068317 (VCV004068317.2).

ClinVar aggregate classification (germline): Likely pathogenic (1 of 4 stars; one submission).

Conditions:
Galactosemia. Also called: Galactose intolerance. Identifiers: Orphanet 352, MedGen C0016952, MONDO:0018116, HP:0004919. Disease mechanism: loss of function.

Submission:

Natera, Inc.
Classification: Likely pathogenic for Galactosemia. Last evaluated: 2025-11-06. Review status: criteria provided, single submitter. Criteria: Natera Variant Classification Schema (03/2026). Collection method: clinical testing. Allele origin: germline.
Comment: The c.118G>T variant in GALT is a nonsense variant predicted to introduce a stop codon at amino acid 40. This variant is expected to result in nonsense mediated decay, truncation, or a dysfunctional protein product. This variant is rare in the general population with a frequency below the threshold expected for the associated phenotype(s). Given the available evidence, this variant is classified as Likely Pathogenic.